The following is an entry in ClinVar:

ClinVar aggregate classification (germline): Uncertain significance. Review status: criteria provided, multiple submitters, no conflicts (2 of 4 stars). 2 submissions from 2 submitters: Uncertain significance (2). Last evaluated 2023-12-05.

Submissions (2):

Mayo Clinic Laboratories, Mayo Clinic
Classification: Uncertain significance. Last evaluated: 2023-12-05. Review status: criteria provided, single submitter. Criteria: ACMG Guidelines, 2015. Collection method: clinical testing. Allele origin: germline. Observed: 1 variant allele.
Comment: PM2_moderate

Revvity Omics, Revvity
Classification: Uncertain significance. Last evaluated: 2023-11-27. Review status: criteria provided, single submitter. Criteria: ACMG Guidelines, 2015. Collection method: clinical testing. Allele origin: germline.

NM_001355436.2(SPTB):c.5798G>A (p.Arg1933Lys)

Gene: SPTB (spectrin beta, erythrocytic; minus strand). Cytogenetic location: 14q23.3.
Variant type: single nucleotide variant.
Coding change: c.5798G>A on transcript NM_001355436.2 (MANE Select); coding-DNA position 5798, G replaced by A.
Protein change: p.Arg1933Lys; replaces arginine 1933 with lysine.
Molecular consequence: missense variant.
Genome position (GRCh38, 1-based): chr14:64,770,885, C>T on the plus strand (G>A on the coding strand, the complement: SPTB is on the minus strand). VCF-style: chr14-64770885-C-T. GRCh37 (hg19) VCF-style: chr14-65237603-C-T.
Other names: p.Arg1933Lys; c.5798G>A, p.Arg1933Lys (NM_001024858.4, NM_001355437.2); short protein forms R1933K.
Identifiers: ClinVar variation 3380201 (VCV003380201.2).